The following is an entry in ClinVar:

ClinVar aggregate classification (germline): Uncertain significance. Review status: criteria provided, multiple submitters, no conflicts (2 of 4 stars). 4 submissions from 4 submitters: Uncertain significance (3). 1 of the submissions does not count toward it. Last evaluated 2025-06-03.

Conditions:
Ataxia-telangiectasia syndrome (AT). Also called: Ataxia-telangiectasia, complementation group D; AT, COMPLEMENTATION GROUP C; Ataxia-telangiectasia; ATAXIA-TELANGIECTASIA, COMPLEMENTATION GROUP A; ATAXIA-TELANGIECTASIA, FRESNO VARIANT; LOUIS-BAR SYNDROME. Identifiers: Orphanet 100, MedGen C0004135, MONDO:0008840, OMIM 208900.
Hereditary cancer-predisposing syndrome. Also called: Hereditary Cancer Syndrome; Neoplastic Syndromes, Hereditary; Tumor predisposition; Hereditary neoplastic syndrome. Identifiers: Orphanet 140162, MedGen C0027672, MeSH D009386, MONDO:0015356.

Allele frequency attached by ClinVar (database versions not stated): gnomAD exomes 0.00001; ExAC 0.00002.
gnomAD v4.1: 5 of 1,613,820 alleles (0.00031%); highest among the groups gnomAD compares: Non-Finnish European, 0.00042%; no homozygotes.

Submissions (4):

Labcorp Genetics (formerly Invitae), Labcorp
Classification: Uncertain significance for Ataxia-telangiectasia syndrome. Last evaluated: 2025-06-03. Review status: criteria provided, single submitter. Criteria: Invitae Variant Classification Sherloc (09022015). Collection method: clinical testing. Allele origin: germline.
Comment: This sequence change replaces serine, which is neutral and polar, with arginine, which is basic and polar, at codon 98 of the ATM protein (p.Ser98Arg). This variant is present in population databases (rs768318076, gnomAD 0.003%). This variant has not been reported in the literature in individuals affected with ATM-related conditions. ClinVar contains an entry for this variant (Variation ID: 631430). Invitae Evidence Modeling of protein sequence and biophysical properties (such as structural, functional, and spatial information, amino acid conservation, physicochemical variation, residue mobility, and thermodynamic stability) indicates that this missense variant is not expected to disrupt ATM protein function with a negative predictive value of 95%. In summary, the available evidence is currently insufficient to determine the role of this variant in disease. Therefore, it has been classified as a Variant of Uncertain Significance.

Ambry Genetics
Classification: Uncertain significance for Hereditary cancer-predisposing syndrome. Last evaluated: 2021-09-07. Review status: criteria provided, single submitter. Criteria: Ambry Variant Classification Scheme 2023. Collection method: clinical testing. Allele origin: germline.
Comment: The p.S98R variant (also known as c.292A>C), located in coding exon 3 of the ATM gene, results from an A to C substitution at nucleotide position 292. The serine at codon 98 is replaced by arginine, an amino acid with dissimilar properties. This amino acid position is conserved. In addition, the in silico prediction for this alteration is inconclusive. Since supporting evidence is limited at this time, the clinical significance of this alteration remains unclear.

Color Diagnostics, LLC DBA Color Health
Classification: Uncertain significance for Hereditary cancer-predisposing syndrome. Last evaluated: 2019-06-22. Review status: criteria provided, single submitter. Criteria: ACMG Guidelines, 2015. Collection method: clinical testing. Allele origin: germline.

Natera, Inc.
Classification: Uncertain significance for Ataxia-telangiectasia. Last evaluated: 2019-10-28. Review status: no assertion criteria provided. Collection method: clinical testing. Allele origin: germline. Not counted in ClinVar's aggregate classification.

NM_000051.4(ATM):c.292A>C (p.Ser98Arg)

Gene: ATM (ATM serine/threonine kinase; plus strand). Cytogenetic location: 11q22.3.
Variant type: single nucleotide variant.
Coding change: c.292A>C on transcript NM_000051.4 (MANE Select); coding-DNA position 292, A replaced by C.
Protein change: p.Ser98Arg; replaces serine 98 with arginine.
Molecular consequence: missense variant.
Genome position (GRCh38, 1-based): chr11:108,229,284, A>C. VCF-style: chr11-108229284-A-C. GRCh37 (hg19) VCF-style: chr11-108100011-A-C.
Other names: c.292A>C, p.Ser98Arg (NM_001351834.2, NM_001351835.2, NM_001351836.2); short protein forms S98R.
Identifiers: ClinVar variation 631430 (VCV000631430.19), dbSNP rs768318076, ClinGen allele CA6264547.